The following is an entry in ClinVar:

ClinVar aggregate classification (germline): Uncertain significance (0 of 4 stars; one submission).

Conditions:
TTN-related disorder. Also called: TTN-related disorders; TTN-related condition; TTN-related disease.

gnomAD v4.1: 3 of 1,612,932 alleles (0.00019%); highest among the groups gnomAD compares: Non-Finnish European, 0.00025%; no homozygotes.

Submission:

PreventionGenetics, part of Exact Sciences
Classification: Uncertain significance for TTN-related condition. Last evaluated: 2024-03-03. Review status: no assertion criteria provided. Collection method: clinical testing. Allele origin: germline.
Comment: The TTN c.77381T>C variant is predicted to result in the amino acid substitution p.Leu25794Pro. To our knowledge, this variant has not been reported in the literature or in a large population database, indicating this variant is rare. At this time, the clinical significance of this variant is uncertain due to the absence of conclusive functional and genetic evidence.

NM_001267550.2(TTN):c.77381T>C (p.Leu25794Pro)

Genes: TTN (titin; minus strand), TTN-AS1 (TTN antisense RNA 1; plus strand). Cytogenetic location: 2q31.2.
Variant type: single nucleotide variant.
Coding change: c.77381T>C on transcript NM_001267550.2 (MANE Select); coding-DNA position 77381, T replaced by C.
Protein change: p.Leu25794Pro; replaces leucine 25794 with proline.
Molecular consequence: missense variant.
Genome position (GRCh38, 1-based): chr2:178,568,751, A>G on the plus strand (T>C on the coding strand, the complement: TTN is on the minus strand). VCF-style: chr2-178568751-A-G. GRCh37 (hg19) VCF-style: chr2-179433478-A-G.
Other names: c.72458T>C, p.Leu24153Pro (NM_001256850.1); c.50186T>C, p.Leu16729Pro (NM_003319.4); c.69677T>C, p.Leu23226Pro (NM_133378.4); c.50561T>C, p.Leu16854Pro (NM_133432.3); c.50762T>C, p.Leu16921Pro (NM_133437.4); short protein forms L16729P, L16854P, L16921P, L23226P, L24153P, L25794P.
Identifiers: ClinVar variation 3351802 (VCV003351802.1).